The following is an entry in ClinVar:

ClinVar aggregate classification (germline): Uncertain significance (1 of 4 stars; one submission).

Conditions:
Familial cold autoinflammatory syndrome 3 (FCAS3). Also called: FAMILIAL ATYPICAL COLD URTICARIA; ANTIBODY DEFICIENCY AND IMMUNE DYSREGULATION, PLCG2-ASSOCIATED. Identifiers: Orphanet 300359, MedGen C3280914, MONDO:0013766, OMIM 614468.

Allele frequency attached by ClinVar (database versions not stated): gnomAD exomes below 0.00001; gnomAD 0.00001; TOPMed 0.00002.
gnomAD v4.1: 14 of 1,613,500 alleles (0.00087%); highest among the groups gnomAD compares: African/African-American, 0.0013%; no homozygotes.

Submission:

Labcorp Genetics (formerly Invitae), Labcorp
Classification: Uncertain significance for Familial cold autoinflammatory syndrome 3. Last evaluated: 2022-01-03. Review status: criteria provided, single submitter. Criteria: Invitae Variant Classification Sherloc (09022015). Collection method: clinical testing. Allele origin: germline.
Comment: This sequence change replaces aspartic acid, which is acidic and polar, with tyrosine, which is neutral and polar, at codon 520 of the PLCG2 protein (p.Asp520Tyr). This variant is present in population databases (no rsID available, gnomAD 0.0009%). In summary, the available evidence is currently insufficient to determine the role of this variant in disease. Therefore, it has been classified as a Variant of Uncertain Significance. Algorithms developed to predict the effect of sequence changes on RNA splicing suggest that this variant may disrupt the consensus splice site. Algorithms developed to predict the effect of missense changes on protein structure and function are either unavailable or do not agree on the potential impact of this missense change (SIFT: "Tolerated"; PolyPhen-2: "Possibly Damaging"; Align-GVGD: "Class C0"). ClinVar contains an entry for this variant (Variation ID: 1021964). This variant has not been reported in the literature in individuals affected with PLCG2-related conditions.

NM_002661.5(PLCG2):c.1558G>T (p.Asp520Tyr)

Gene: PLCG2 (phospholipase C gamma 2; plus strand). Cytogenetic location: 16q23.3.
Variant type: single nucleotide variant.
Coding change: c.1558G>T on transcript NM_002661.5 (MANE Select); coding-DNA position 1558, G replaced by T.
Protein change: p.Asp520Tyr; replaces aspartic acid 520 with tyrosine.
Molecular consequence: missense variant.
Genome position (GRCh38, 1-based): chr16:81,908,416, G>T. VCF-style: chr16-81908416-G-T. GRCh37 (hg19) VCF-style: chr16-81942021-G-T.
Other names: short protein forms D520Y.
Identifiers: ClinVar variation 1021964 (VCV001021964.8), dbSNP rs1348054495, ClinGen allele CA396900047.